The following is an entry in ClinVar:

NC_000001.10:g.(?_218607404)_(218614704_?)del

Gene: TGFB2 (transforming growth factor beta 2; plus strand). Cytogenetic location: 1q41.
Variant type: Deletion.
Identifiers: ClinVar variation 3247813 (VCV003247813.1).

ClinVar aggregate classification (germline): Pathogenic (1 of 4 stars; one submission).

Conditions:
Loeys-Dietz syndrome 4 (LDS4). Also called: TGFB2-Related Loeys-Dietz Syndrome; ANEURYSM, AORTIC AND CEREBRAL, WITH ARTERIAL TORTUOSITY AND SKELETAL MANIFESTATIONS. Identifiers: MedGen C3553762, MONDO:0013897, OMIM 614816.

Submission:

Labcorp Genetics (formerly Invitae), Labcorp
Classification: Pathogenic for Loeys-Dietz syndrome 4. Last evaluated: 2023-07-17. Review status: criteria provided, single submitter. Criteria: Invitae Variant Classification Sherloc (09022015). Collection method: clinical testing. Allele origin: unknown.
Comment: This variant is a gross deletion of the genomic region encompassing exon(s) 3-7 of the TGFB2 gene, which includes the termination codon. This deletion extends beyond the assayed region for this gene and therefore may encompass additional genes. While this deletion is not anticipated to lead to nonsense mediated decay, it is expected to alter mRNA translation or result in a truncated protein product. This variant has not been reported in the literature in individuals affected with TGFB2-related conditions. This variant disrupts a region of the TGFB2 protein in which other variant(s) (p.Arg299Trp) have been determined to be pathogenic (PMID: 22772368, 23102774, 26854089). This suggests that this is a clinically significant region of the protein, and that variants that disrupt it are likely to be disease-causing. For these reasons, this variant has been classified as Pathogenic.

Literature cited by the submitters: PubMed 22772368; PubMed 23102774; PubMed 26854089.